The following is an entry in ClinVar:

ClinVar aggregate classification (germline): Likely benign (1 of 4 stars; one submission).

Allele frequency attached by ClinVar (database versions not stated): ExAC 0.00004.
gnomAD v4.1: 10 of 1,599,332 alleles (0.00063%); no homozygotes.

Submission:

GeneDx
Classification: Likely benign. Last evaluated: 2017-04-18. Review status: criteria provided, single submitter. Criteria: GeneDx Variant Classification (06012015). Collection method: clinical testing. Allele origin: germline. Affected: yes.
Comment: This variant is considered likely benign or benign based on one or more of the following criteria: it is a conservative change, it occurs at a poorly conserved position in the protein, it is predicted to be benign by multiple in silico algorithms, and/or has population frequency not consistent with disease.

NM_001330078.2(NRXN1):c.261C>T (p.Gly87=)

Gene: NRXN1 (neurexin 1; minus strand). Cytogenetic location: 2p16.3.
Variant type: single nucleotide variant.
Coding change: c.261C>T on transcript NM_001330078.2 (MANE Select); coding-DNA position 261, C replaced by T.
Protein change: p.Gly87=; no amino-acid change (glycine 87 retained).
Molecular consequence: synonymous variant.
Genome position (GRCh38, 1-based): chr2:51,028,013, G>A on the plus strand (C>T on the coding strand, the complement: NRXN1 is on the minus strand). VCF-style: chr2-51028013-G-A. GRCh37 (hg19) VCF-style: chr2-51255151-G-A.
Other names: c.261C>T, p.Gly87= (NM_001135659.3, NM_001330077.2, NM_001330079.2 and 15 more transcripts).
Identifiers: ClinVar variation 508919 (VCV000508919.1), dbSNP rs587781102, ClinGen allele CA1655535.